The following is an entry in ClinVar:

NM_152703.5(SAMD9L):c.2983T>C (p.Tyr995His)

Gene: SAMD9L (sterile alpha motif domain containing 9 like; minus strand). Cytogenetic location: 7q21.2.
Variant type: single nucleotide variant.
Coding change: c.2983T>C on transcript NM_152703.5 (MANE Select); coding-DNA position 2983, T replaced by C.
Protein change: p.Tyr995His; replaces tyrosine 995 with histidine.
Molecular consequence: missense variant.
Genome position (GRCh38, 1-based): chr7:93,132,989, A>G on the plus strand (T>C on the coding strand, the complement: SAMD9L is on the minus strand). VCF-style: chr7-93132989-A-G. GRCh37 (hg19) VCF-style: chr7-92762302-A-G.
Other names: c.2983T>C, p.Tyr995His (NM_001303496.3, NM_001303497.3, NM_001303498.3 and 5 more transcripts); short protein forms Y995H.
Identifiers: ClinVar variation 4864014 (VCV004864014.1).

ClinVar aggregate classification (germline): Uncertain significance (1 of 4 stars; one submission).

Conditions:
Inborn genetic diseases. Identifiers: MedGen C0950123, MeSH D030342.

Submission:

Ambry Genetics
Classification: Uncertain significance for Inborn genetic diseases. Last evaluated: 2026-05-26. Review status: criteria provided, single submitter. Criteria: Ambry Variant Classification Scheme 2023. Collection method: clinical testing. Allele origin: germline.
Comment: The p.Y995H variant (also known as c.2983T>C), located in coding exon 1 of the SAMD9L gene, results from a T to C substitution at nucleotide position 2983. The tyrosine at codon 995 is replaced by histidine, an amino acid with similar properties. This amino acid position is conserved. In addition, this alteration is predicted to be tolerated by in silico analysis. Based on the available evidence, the clinical significance of this variant remains unclear.